The following is an entry in ClinVar:

ClinVar aggregate classification (germline): Uncertain significance (1 of 4 stars; one submission).

Conditions:
Familial adenomatous polyposis 1 (FAP1). Also called: FAMILIAL ADENOMATOUS POLYPOSIS 1, ATTENUATED; POLYPOSIS, ADENOMATOUS INTESTINAL. Identifiers: MedGen C2713442, MONDO:0021056, OMIM 175100. Disease mechanism: loss of function.

Submission:

Labcorp Genetics (formerly Invitae), Labcorp
Classification: Uncertain significance for Familial adenomatous polyposis 1. Last evaluated: 2025-05-13. Review status: criteria provided, single submitter. Criteria: Invitae Variant Classification Sherloc (09022015). Collection method: clinical testing. Allele origin: germline.
Comment: This sequence change replaces glutamic acid, which is acidic and polar, with alanine, which is neutral and non-polar, at codon 2534 of the APC protein (p.Glu2534Ala). This variant is not present in population databases (gnomAD no frequency). This variant has not been reported in the literature in individuals affected with APC-related conditions. Invitae Evidence Modeling of protein sequence and biophysical properties (such as structural, functional, and spatial information, amino acid conservation, physicochemical variation, residue mobility, and thermodynamic stability) indicates that this missense variant is not expected to disrupt APC protein function with a negative predictive value of 95%. In summary, the available evidence is currently insufficient to determine the role of this variant in disease. Therefore, it has been classified as a Variant of Uncertain Significance.

NM_000038.6(APC):c.7601A>C (p.Glu2534Ala)

Gene: APC (APC regulator of Wnt signaling pathway; plus strand). Cytogenetic location: 5q22.2.
Variant type: single nucleotide variant.
Coding change: c.7601A>C on transcript NM_000038.6 (MANE Select); coding-DNA position 7601, A replaced by C.
Protein change: p.Glu2534Ala; replaces glutamic acid 2534 with alanine.
Molecular consequence: missense variant. On other transcripts: non-coding transcript variant (2).
Genome position (GRCh38, 1-based): chr5:112,843,195, A>C. VCF-style: chr5-112843195-A-C. GRCh37 (hg19) VCF-style: chr5-112178892-A-C.
Other names: c.7601A>C, p.Glu2534Ala (NM_001127510.3, NM_001354895.2, NM_001407450.1); c.7547A>C, p.Glu2516Ala (NM_001127511.3); c.7655A>C, p.Glu2552Ala (NM_001354896.2, NM_001407447.1, NM_001407448.1 and 1 more transcripts); c.7631A>C, p.Glu2544Ala (NM_001354897.2); c.7526A>C, p.Glu2509Ala (NM_001354898.2); c.7517A>C, p.Glu2506Ala (NM_001354899.2); c.7478A>C, p.Glu2493Ala (NM_001354900.2); c.7424A>C, p.Glu2475Ala (NM_001354901.2, NM_001407453.1); and 11 more; short protein forms E2150A, E2251A, E2374A, E2405A, E2408A, E2433A, E2443A, E2451A.
Identifiers: ClinVar variation 4801521 (VCV004801521.1).
Genomic context (GRCh38, chr5:112,843,195, plus strand): 5'-CTATAGAGTATAATGATGGAAGACCAGCAAAGCGCCATGATATTGCACGGTCTCATTCTG[A>C]AAGTCCTTCTAGACTTCCAATCAATAGGTCAGGAACCTGGAAACGTGAGCACAGCAAACA-3'
Protein context (NP_000029.2, residues 2524-2544): KRHDIARSHS[Glu2534Ala]SPSRLPINRS